The following is an entry in ClinVar:

ClinVar aggregate classification (germline): Uncertain significance. Review status: criteria provided, multiple submitters, no conflicts (2 of 4 stars). 4 submissions from 4 submitters: Uncertain significance (3). 1 of the submissions does not count toward it. Last evaluated 2025-08-20.

Conditions:
Microcephalic primordial dwarfism due to ZNF335 deficiency. Also called: Primary autosomal recessive microcephaly 10. Identifiers: Orphanet 329228, MedGen C3554499, MONDO:0014043, OMIM 615095.

Submissions (4):

GeneDx
Classification: Uncertain significance. Last evaluated: 2025-08-20. Review status: criteria provided, single submitter. Criteria: GeneDx Variant Classification Process June 2021. Collection method: clinical testing. Allele origin: germline. Affected: yes.
Comment: Identified in a patient with history of microcephaly, hypertonia, and hypomyelination of white matter in published literature (PMID: 29652087); In-frame deletion of one amino acid in a non-repeat region; Not observed at a significant frequency in large population cohorts (gnomAD); In silico analysis supports a deleterious effect on protein structure/function; This variant is associated with the following publications: (PMID: 29652087)

Labcorp Genetics (formerly Invitae), Labcorp
Classification: Uncertain significance. Last evaluated: 2022-07-25. Review status: criteria provided, single submitter. Criteria: Invitae Variant Classification Sherloc (09022015). Collection method: clinical testing. Allele origin: germline.
Comment: Experimental studies and prediction algorithms are not available or were not evaluated, and the functional significance of this variant is currently unknown. This variant, c.2171_2173del, results in the deletion of 1 amino acid(s) of the ZNF335 protein (p.Phe724del), but otherwise preserves the integrity of the reading frame. This variant is present in population databases (rs773283542, gnomAD 0.007%). This variant has been observed in individual(s) with ZNF335-related conditions (PMID: 29652087). ClinVar contains an entry for this variant (Variation ID: 212644). Algorithms developed to predict the effect of sequence changes on RNA splicing suggest that this variant may disrupt the consensus splice site. In summary, the available evidence is currently insufficient to determine the role of this variant in disease. Therefore, it has been classified as a Variant of Uncertain Significance.

Genetic Services Laboratory, University of Chicago
Classification: Uncertain significance. Last evaluated: 2015-04-06. Review status: criteria provided, single submitter. Criteria: ACMG Guidelines, 2015. Collection method: clinical testing. Allele origin: germline.

OMIM
Classification: Pathogenic for MICROCEPHALY 10, PRIMARY, AUTOSOMAL RECESSIVE. Last evaluated: 2019-02-19. Review status: no assertion criteria provided. Collection method: literature only. Allele origin: germline. Not counted in ClinVar's aggregate classification.

Literature cited by the submitters: PubMed 29652087 (cited by Labcorp Genetics (formerly Invitae), Labcorp and OMIM).

NM_022095.4(ZNF335):c.2168TCT[1] (p.Phe724del)

Gene: ZNF335 (zinc finger protein 335; minus strand). Cytogenetic location: 20q13.12.
Variant type: Microsatellite.
Coding change: c.2168TCT[1] on transcript NM_022095.4 (MANE Select); one copy of the 3-base unit TCT starting at c.2168; the reference has two copies in a row; one copy, 3 bases deleted.
Protein change: p.Phe724del; deletes phenylalanine 724.
Molecular consequence: inframe deletion.
Genome position (GRCh38, 1-based): chr20:45,959,281-45,959,283, AGA deleted on the plus strand (TCT on the coding strand, the reverse complement: ZNF335 is on the minus strand); deleting any 3 consecutive bases within chr20:45,959,281-45,959,288 gives the same sequence; the position shown is the placement nearest the transcript's 3' end. VCF-style (leftmost placement, unchanged base first): chr20-45959280-GAGA-G. GRCh37 (hg19) VCF-style: chr20-44587919-GAGA-G.
Other names: short protein forms F724del.
Identifiers: ClinVar variation 212644 (VCV000212644.15), dbSNP rs773283542, ClinGen allele CA208147.